The following is an entry in ClinVar:

NM_002907.4(RECQL):c.1741A>C (p.Asn581His)

Genes: PYROXD1 (pyridine nucleotide-disulphide oxidoreductase domain 1; plus strand), RECQL (RecQ like helicase; minus strand). Cytogenetic location: 12p12.1.
Variant type: single nucleotide variant.
Coding change: c.1741A>C on transcript NM_002907.4 (MANE Select); coding-DNA position 1741, A replaced by C.
Protein change: p.Asn581His; replaces asparagine 581 with histidine.
Molecular consequence: missense variant. On other transcripts: 3 prime UTR variant (3).
Genome position (GRCh38, 1-based): chr12:21,471,025, T>G on the plus strand (A>C on the coding strand, the complement: RECQL is on the minus strand). VCF-style: chr12-21471025-T-G. GRCh37 (hg19) VCF-style: chr12-21623959-T-G.
Other names: c.1741A>C, p.Asn581His (NM_032941.3); c.*2271T>G (NM_001350912.2, NM_001350913.2, NM_024854.5); short protein forms N581H.
Identifiers: ClinVar variation 3431825 (VCV003431825.1).

ClinVar aggregate classification (germline): Uncertain significance (1 of 4 stars; one submission).

Submission:

Ambry Genetics
Classification: Uncertain significance. Last evaluated: 2024-11-16. Review status: criteria provided, single submitter. Criteria: Ambry Variant Classification Scheme 2023. Collection method: clinical testing. Allele origin: germline.
Comment: The p.N581H variant (also known as c.1741A>C), located in coding exon 13 of the RECQL gene, results from an A to C substitution at nucleotide position 1741. The asparagine at codon 581 is replaced by histidine, an amino acid with similar properties. This amino acid position is conserved. In addition, this alteration is predicted to be tolerated by in silico analysis. Based on the available evidence, the clinical significance of this variant remains unclear.